The following is an entry in ClinVar:

NM_001848.3(COL6A1):c.2192G>A (p.Arg731His)

Gene: COL6A1 (collagen type VI alpha 1 chain; plus strand). Cytogenetic location: 21q22.3.
Variant type: single nucleotide variant.
Coding change: c.2192G>A on transcript NM_001848.3 (MANE Select); coding-DNA position 2192, G replaced by A.
Protein change: p.Arg731His; replaces arginine 731 with histidine.
Molecular consequence: missense variant.
Genome position (GRCh38, 1-based): chr21:46,002,343, G>A. VCF-style: chr21-46002343-G-A. GRCh37 (hg19) VCF-style: chr21-47422257-G-A.
Other names: short protein forms R731H.
Identifiers: ClinVar variation 450147 (VCV000450147.5), dbSNP rs777293815, ClinGen allele CA10070789.
Genomic context (GRCh38, chr21:46,002,343, plus strand): 5'-GGGACCAGCTGCTGCCGCCCAGCCCGAACAACCGCATCGCCCTGGTCATCACTGACGGGC[G>A]CTCAGACACTCAGAGGGACACCACACCGCTCAACGTGCTCTGCAGCCCCGGCATCCAGGT-3'
Protein context (NP_001839.2, residues 721-741): NRIALVITDG[Arg731His]SDTQRDTTPL

ClinVar aggregate classification (germline): Conflicting classifications of pathogenicity. Review status: criteria provided, conflicting classifications (1 of 4 stars). 3 submissions from 3 submitters: Uncertain significance (2); Benign (1). Last evaluated 2024-03-28.

Conditions:
Bethlem myopathy 1A. Also called: MYOPATHY, BENIGN CONGENITAL, WITH CONTRACTURES; Bethlem myopathy 1; Bethlem Muscular Dystrophy. Identifiers: Orphanet 610, MedGen CN029274, MONDO:0024530, OMIM 158810.

Allele frequency attached by ClinVar (database versions not stated): TOPMed below 0.00001; gnomAD exomes 0.00005 and 0.00014; gnomAD 0.00007; ExAC 0.00014.

Submissions (3):

Labcorp Genetics (formerly Invitae), Labcorp
Classification: Benign for Bethlem myopathy 1A. Last evaluated: 2024-03-28. Review status: criteria provided, single submitter. Criteria: Invitae Variant Classification Sherloc (09022015). Collection method: clinical testing. Allele origin: germline.

Clinical Genetics Laboratory, Skane University Hospital Lund
Classification: Uncertain significance. Last evaluated: 2023-03-08. Review status: criteria provided, single submitter. Criteria: ACMG Guidelines, 2015. Collection method: clinical testing. Allele origin: germline. Affected: yes.

GeneDx
Classification: Uncertain significance. Last evaluated: 2017-06-29. Review status: criteria provided, single submitter. Criteria: GeneDx Variant Classification (06012015). Collection method: clinical testing. Allele origin: germline. Affected: yes.
Comment: A variant of uncertain significance has been identified in the COL6A1 gene. The R731H variant has not been published as a pathogenic variant, nor has it been reported as a benign variant to our knowledge. The R731H variant is observed in 5/1338 (0.4%) alleles from individuals of European background (Lek et al., 2016; 1000 Genomes Consortium et al., 2015; Exome Variant Server). The R731H variant is a conservative amino acid substitution, which is not likely to impact secondary protein structure as these residues share similar properties. However, this substitution occurs at a position that is conserved across species, and in silico analysis predicts this variant is probably damaging to the protein structure/function. Therefore, based on the currently available information, it is unclear whether this variant is a pathogenic variant or a rare benign variant.